The following is an entry in ClinVar:

NM_001170700.3(DTHD1):c.2650G>C (p.Glu884Gln)

Gene: DTHD1 (death domain containing 1; plus strand). Cytogenetic location: 4p14.
Variant type: single nucleotide variant.
Coding change: c.2650G>C on transcript NM_001170700.3 (MANE Select); coding-DNA position 2650, G replaced by C.
Protein change: p.Glu884Gln; replaces glutamic acid 884 with glutamine.
Molecular consequence: missense variant. On other transcripts: non-coding transcript variant (2).
Genome position (GRCh38, 1-based): chr4:36,343,753, G>C. VCF-style: chr4-36343753-G-C. GRCh37 (hg19) VCF-style: chr4-36345375-G-C.
Other names: c.1780G>C, p.Glu594Gln (NM_001136536.5); c.1659G>C, p.Lys553Asn (NM_001378435.1); c.2275G>C (NM_001170700.1); short protein forms E594Q, E884Q, K553N.
Identifiers: ClinVar variation 1008210 (VCV001008210.10), dbSNP rs767373613, ClinGen allele CA2885759.
Genomic context (GRCh38, chr4:36,343,753, plus strand): 5'-GACAAACTTCGCCTCCTGGCTCGACATCTCCGCAAGATTGGCAGGAGTGATCTTGCAGAA[G>C]AGCTCAAATTCAAGTGGGAAAATAAAGTGTTCACTGAACCACAGCAGTGTTTTGATGTAG-3'
Protein context (NP_001164171.2, residues 874-894): RKIGRSDLAE[Glu884Gln]LKFKWENKVF

ClinVar aggregate classification (germline): Uncertain significance. Review status: criteria provided, multiple submitters, no conflicts (2 of 4 stars). 2 submissions from 2 submitters: Uncertain significance (2). Last evaluated 2025-06-11.

Allele frequency attached by ClinVar (database versions not stated): gnomAD exomes 0.00001 and 0.00005; ExAC 0.00010; 1000 Genomes Project 30x 0.00016; gnomAD 0.00020 and 0.00021; TOPMed 0.00021.
gnomAD v4.1: 49 of 1,551,478 alleles (0.0032%); highest among the groups gnomAD compares: African/African-American, 0.063%; no homozygotes.

Submissions (2):

Labcorp Genetics (formerly Invitae), Labcorp
Classification: Uncertain significance. Last evaluated: 2025-06-11. Review status: criteria provided, single submitter. Criteria: Invitae Variant Classification Sherloc (09022015). Collection method: clinical testing. Allele origin: germline.
Comment: This sequence change replaces glutamic acid, which is acidic and polar, with glutamine, which is neutral and polar, at codon 594 of the DTHD1 protein (p.Glu594Gln). This variant is present in population databases (rs767373613, gnomAD 0.05%). This variant has not been reported in the literature in individuals affected with DTHD1-related conditions. ClinVar contains an entry for this variant (Variation ID: 1008210). An algorithm developed to predict the effect of missense changes on protein structure and function (PolyPhen-2) suggests that this variant is likely to be tolerated. In summary, the available evidence is currently insufficient to determine the role of this variant in disease. Therefore, it has been classified as a Variant of Uncertain Significance.

Ambry Genetics
Classification: Uncertain significance. Last evaluated: 2024-09-30. Review status: criteria provided, single submitter. Criteria: Ambry Variant Classification Scheme 2023. Collection method: clinical testing. Allele origin: germline.